The following is an entry in ClinVar:

NM_004104.5(FASN):c.1432G>A (p.Gly478Ser)

Gene: FASN (fatty acid synthase; minus strand). Cytogenetic location: 17q25.3.
Variant type: single nucleotide variant.
Coding change: c.1432G>A on transcript NM_004104.5 (MANE Select); coding-DNA position 1432, G replaced by A.
Protein change: p.Gly478Ser; replaces glycine 478 with serine.
Molecular consequence: missense variant.
Genome position (GRCh38, 1-based): chr17:82,091,282, C>T on the plus strand (G>A on the coding strand, the complement: FASN is on the minus strand). VCF-style: chr17-82091282-C-T. GRCh37 (hg19) VCF-style: chr17-80049158-C-T.
Other names: short protein forms G478S.
Identifiers: ClinVar variation 2518072 (VCV002518072.4), dbSNP rs549257982, ClinGen allele CA8853167.

ClinVar aggregate classification (germline): Conflicting classifications of pathogenicity. Review status: criteria provided, conflicting classifications (1 of 4 stars). 2 submissions from 2 submitters: Uncertain significance (1); Likely benign (1). Last evaluated 2025-07-22.

Conditions:
Epileptic encephalopathy. Identifiers: MedGen C0543888, HP:0200134.

Allele frequency attached by ClinVar (database versions not stated): ExAC 0.00003; gnomAD 0.00010; TOPMed 0.00006; 1000 Genomes Project 30x 0.00016; 1000 Genomes Project 0.00020.
gnomAD v4.1: 46 of 1,607,660 alleles (0.0029%); highest among the groups gnomAD compares: African/African-American, 0.029%; no homozygotes.

Submissions (2):

Labcorp Genetics (formerly Invitae), Labcorp
Classification: Uncertain significance for Epileptic encephalopathy. Last evaluated: 2025-07-22. Review status: criteria provided, single submitter. Criteria: Invitae Variant Classification Sherloc (09022015). Collection method: clinical testing. Allele origin: germline.
Comment: This sequence change replaces glycine, which is neutral and non-polar, with serine, which is neutral and polar, at codon 478 of the FASN protein (p.Gly478Ser). This variant is present in population databases (rs549257982, gnomAD 0.03%). This variant has not been reported in the literature in individuals affected with FASN-related conditions. ClinVar contains an entry for this variant (Variation ID: 2518072). An algorithm developed to predict the effect of missense changes on protein structure and function outputs the following: PolyPhen-2: "Benign". The serine amino acid residue is found in multiple mammalian species, which suggests that this missense change does not adversely affect protein function. In summary, the available evidence is currently insufficient to determine the role of this variant in disease. Therefore, it has been classified as a Variant of Uncertain Significance.

Ambry Genetics
Classification: Likely benign. Last evaluated: 2023-05-17. Review status: criteria provided, single submitter. Criteria: Ambry Variant Classification Scheme 2023. Collection method: clinical testing. Allele origin: germline.